The following is an entry in ClinVar:

ClinVar aggregate classification (germline): Benign/Likely benign. Review status: criteria provided, multiple submitters, no conflicts (2 of 4 stars). 8 submissions from 8 submitters: Benign (2); Likely benign (5). 1 of the submissions does not count toward it. Last evaluated 2026-07-01.

Conditions:
SAMD9L-related disorder. Also called: SAMD9L-related disorders; SAMD9L-related condition.

Allele frequency attached by ClinVar (database versions not stated): 1000 Genomes Project 30x 0.00031; 1000 Genomes Project 0.00040; ExAC 0.00182; gnomAD exomes 0.00187 and 0.00330; TOPMed 0.00196; gnomAD 0.00206 and 0.00218; ESP Exome Variant Server 0.00292.

Submissions (8):

CeGaT Center for Human Genetics Tuebingen
Classification: Likely benign. Last evaluated: 2026-07-01. Review status: criteria provided, single submitter. Criteria: CeGaT Center For Human Genetics Tuebingen Variant Classification Criteria Version 2. Collection method: clinical testing. Allele origin: germline. Affected: yes. Observed: 4 variant alleles.
Comment: SAMD9L: BP4, BS1

Labcorp Genetics (formerly Invitae), Labcorp
Classification: Benign. Last evaluated: 2026-02-01. Review status: criteria provided, single submitter. Criteria: Invitae Variant Classification Sherloc (09022015). Collection method: clinical testing. Allele origin: germline.

Blueprint Genetics
Classification: Likely benign. Last evaluated: 2024-11-19. Review status: criteria provided, single submitter. Criteria: ACMG Guidelines, 2015. Collection method: clinical testing. Allele origin: germline.

ARUP Laboratories, Molecular Genetics and Genomics, ARUP Laboratories
Classification: Likely benign. Last evaluated: 2024-11-15. Review status: criteria provided, single submitter. Criteria: ARUP Molecular Germline Variant Investigation Process 2024. Collection method: clinical testing. Allele origin: germline.

Mayo Clinic Laboratories, Mayo Clinic
Classification: Benign. Last evaluated: 2023-08-16. Review status: criteria provided, single submitter. Criteria: ACMG Guidelines, 2015. Collection method: clinical testing. Allele origin: germline. Observed: 6 variant alleles.
Comment: BS1, BS2, BP4

Genetic Services Laboratory, University of Chicago
Classification: Likely benign. Last evaluated: 2022-01-18. Review status: criteria provided, single submitter. Criteria: ACMG Guidelines, 2015. Collection method: clinical testing. Allele origin: germline. Affected: no.

GeneDx
Classification: Likely benign. Last evaluated: 2021-01-14. Review status: criteria provided, single submitter. Criteria: GeneDx Variant Classification Process June 2021. Collection method: clinical testing. Allele origin: germline. Affected: yes.
Comment: In silico analysis supports that this missense variant does not alter protein structure/function; Has not been previously published as pathogenic or benign to our knowledge

PreventionGenetics, part of Exact Sciences
Classification: Likely benign for SAMD9L-related condition. Last evaluated: 2020-10-16. Review status: no assertion criteria provided. Collection method: clinical testing. Allele origin: germline. Not counted in ClinVar's aggregate classification.
Comment: This variant is classified as likely benign based on ACMG/AMP sequence variant interpretation guidelines (Richards et al. 2015 PMID: 25741868, with internal and published modifications).

NM_152703.5(SAMD9L):c.3028C>G (p.Gln1010Glu)

Gene: SAMD9L (sterile alpha motif domain containing 9 like; minus strand). Cytogenetic location: 7q21.2.
Variant type: single nucleotide variant.
Coding change: c.3028C>G on transcript NM_152703.5 (MANE Select); coding-DNA position 3028, C replaced by G.
Protein change: p.Gln1010Glu; replaces glutamine 1010 with glutamic acid.
Molecular consequence: missense variant.
Genome position (GRCh38, 1-based): chr7:93,132,944, G>C on the plus strand (C>G on the coding strand, the complement: SAMD9L is on the minus strand). VCF-style: chr7-93132944-G-C. GRCh37 (hg19) VCF-style: chr7-92762257-G-C.
Other names: p.Gln1010Glu; c.3028C>G, p.Gln1010Glu (NM_001303496.3, NM_001303497.3, NM_001303498.3 and 5 more transcripts); short protein forms Q1010E.
Identifiers: ClinVar variation 781650 (VCV000781650.44), dbSNP rs117342581, ClinGen allele CA4343518.